The following is an entry in ClinVar:

ClinVar aggregate classification (germline): Uncertain significance (1 of 4 stars; one submission).

Conditions:
Autosomal dominant hypocalcemia 1 (HYPOC1). Also called: HYPOCALCEMIA, FAMILIAL. Identifiers: MedGen C3715128, MONDO:0011013, OMIM 601198.
Familial hypocalciuric hypercalcemia (FHH). Also called: Familial benign hypercalcemia. Identifiers: Orphanet 405, MedGen C1809471, MONDO:0018458.

Allele frequency attached by ClinVar (database versions not stated): gnomAD 0.00001.
gnomAD v4.1: 1 of 1,613,452 alleles (0.000062%); highest among the groups gnomAD compares: Admixed American, 0.0017%; no homozygotes.

Submission:

Labcorp Genetics (formerly Invitae), Labcorp
Classification: Uncertain significance for Familial hypocalciuric hypercalcemia; Autosomal dominant hypocalcemia 1. Last evaluated: 2022-08-18. Review status: criteria provided, single submitter. Criteria: Invitae Variant Classification Sherloc (09022015). Collection method: clinical testing. Allele origin: germline.
Comment: In summary, the available evidence is currently insufficient to determine the role of this variant in disease. Therefore, it has been classified as a Variant of Uncertain Significance. Algorithms developed to predict the effect of missense changes on protein structure and function are either unavailable or do not agree on the potential impact of this missense change (SIFT: "Deleterious"; PolyPhen-2: "Probably Damaging"; Align-GVGD: "Class C0"). This variant has not been reported in the literature in individuals affected with CASR-related conditions. This variant is not present in population databases (gnomAD no frequency). This sequence change replaces isoleucine, which is neutral and non-polar, with phenylalanine, which is neutral and non-polar, at codon 841 of the CASR protein (p.Ile841Phe).

NM_000388.4(CASR):c.2521A>T (p.Ile841Phe)

Gene: CASR (calcium sensing receptor; plus strand). Cytogenetic location: 3q21.1.
Variant type: single nucleotide variant.
Coding change: c.2521A>T on transcript NM_000388.4 (MANE Select); coding-DNA position 2521, A replaced by T.
Protein change: p.Ile841Phe; replaces isoleucine 841 with phenylalanine.
Molecular consequence: missense variant.
Genome position (GRCh38, 1-based): chr3:122,284,475, A>T. VCF-style: chr3-122284475-A-T. GRCh37 (hg19) VCF-style: chr3-122003322-A-T.
Other names: c.2551A>T, p.Ile851Phe (NM_001178065.2); short protein forms I851F, I841F.
Identifiers: ClinVar variation 2155476 (VCV002155476.4), dbSNP rs2074939939, ClinGen allele CA354160148.